The following is an entry in ClinVar:

ClinVar aggregate classification (germline): Benign/Likely benign. Review status: criteria provided, multiple submitters, no conflicts (2 of 4 stars). 3 submissions from 3 submitters: Benign (1); Likely benign (2). Last evaluated 2024-11-05.

Conditions:
Hereditary cancer-predisposing syndrome. Also called: Hereditary Cancer Syndrome; Tumor predisposition; Neoplastic Syndromes, Hereditary; Hereditary neoplastic syndrome. Identifiers: Orphanet 140162, MedGen C0027672, MeSH D009386, MONDO:0015356.
Multiple endocrine neoplasia, type 1 (MEN1). Also called: MEA I; MEN I; Endocrine adenomatosis multiple; MEN 1; WERMER SYNDROME. Identifiers: Orphanet 652, MedGen C0025267, MeSH D018761, MONDO:0007540, OMIM 131100.

Submissions (3):

Myriad Genetics, Inc.
Classification: Benign for Multiple endocrine neoplasia, type 1. Last evaluated: 2024-11-05. Review status: criteria provided, single submitter. Criteria: Myriad Autosomal Dominant, Autosomal Recessive and X-Linked Classification Criteria (2023). Collection method: clinical testing. Allele origin: unknown.
Comment: This variant is considered benign. This variant is a silent/synonymous amino acid change and it is not expected to impact splicing.

Ambry Genetics
Classification: Likely benign for Hereditary cancer-predisposing syndrome. Last evaluated: 2022-09-01. Review status: criteria provided, single submitter. Criteria: Ambry Variant Classification Scheme 2023. Collection method: clinical testing. Allele origin: germline.

Labcorp Genetics (formerly Invitae), Labcorp
Classification: Likely benign for Multiple endocrine neoplasia, type 1. Last evaluated: 2022-02-19. Review status: criteria provided, single submitter. Criteria: Invitae Variant Classification Sherloc (09022015). Collection method: clinical testing. Allele origin: germline.

NM_001370259.2(MEN1):c.1437G>A (p.Arg479=)

Gene: MEN1 (menin 1; minus strand). Cytogenetic location: 11q13.1.
Variant type: single nucleotide variant.
Coding change: c.1437G>A on transcript NM_001370259.2 (MANE Select); coding-DNA position 1437, G replaced by A.
Protein change: p.Arg479=; no amino-acid change (arginine 479 retained).
Molecular consequence: synonymous variant.
Genome position (GRCh38, 1-based): chr11:64,804,730, C>T on the plus strand (G>A on the coding strand, the complement: MEN1 is on the minus strand). VCF-style: chr11-64804730-C-T. GRCh37 (hg19) VCF-style: chr11-64572202-C-T.
Other names: c.1452G>A, p.Arg484= (NM_000244.4, NM_130800.3, NM_130801.3 and 3 more transcripts); c.1563G>A, p.Arg521= (NM_001370251.2); c.1437G>A, p.Arg479= (NM_001370260.2, NM_001370261.2, NM_130799.3); c.1332G>A, p.Arg444= (NM_001370262.2, NM_001370263.2).
Identifiers: ClinVar variation 1593163 (VCV001593163.11), dbSNP rs1354865958, ClinGen allele CA475163348.